The following is an entry in ClinVar:

ClinVar aggregate classification (germline): Conflicting classifications of pathogenicity. Review status: criteria provided, conflicting classifications (1 of 4 stars). 2 submissions from 2 submitters: Uncertain significance (1); Likely benign (1). Last evaluated 2024-03-12.

Conditions:
Costello syndrome (CSTLO). Also called: HRAS-Related Costello Syndrome; FACIOCUTANEOSKELETAL SYNDROME; FCS SYNDROME. Identifiers: Orphanet 3071, MedGen C0587248, MONDO:0009026, OMIM 218040.

Allele frequency attached by ClinVar (database versions not stated): gnomAD exomes below 0.00001.
gnomAD v4.1: 1 of 1,613,068 alleles (0.000062%); highest among the groups gnomAD compares: Non-Finnish European, 0.000085%; no homozygotes.

Submissions (2):

Labcorp Genetics (formerly Invitae), Labcorp
Classification: Uncertain significance for Costello syndrome. Last evaluated: 2024-03-12. Review status: criteria provided, single submitter. Criteria: Invitae Variant Classification Sherloc (09022015). Collection method: clinical testing. Allele origin: germline.
Comment: This sequence change replaces asparagine, which is neutral and polar, with serine, which is neutral and polar, at codon 172 of the HRAS protein (p.Asn172Ser). This variant is not present in population databases (gnomAD no frequency). This variant has not been reported in the literature in individuals affected with HRAS-related conditions. ClinVar contains an entry for this variant (Variation ID: 1055387). Advanced modeling performed at Invitae incorporating data from internal and/or published experimental studies (Invitae) indicates that this missense variant is not expected to disrupt HRAS function with a negative predictive value of 95%. In summary, the available evidence is currently insufficient to determine the role of this variant in disease. Therefore, it has been classified as a Variant of Uncertain Significance.

Blueprint Genetics
Classification: Likely benign. Last evaluated: 2018-11-07. Review status: criteria provided, single submitter. Criteria: ACMG Guidelines, 2015. Collection method: clinical testing. Allele origin: germline.

NM_005343.4(HRAS):c.515A>G (p.Asn172Ser)

Genes: LRRC56 (leucine rich repeat containing 56; plus strand), HRAS (HRas proto-oncogene, GTPase; minus strand). Cytogenetic location: 11p15.5.
Variant type: single nucleotide variant.
Coding change: c.515A>G on transcript NM_005343.4 (MANE Select); coding-DNA position 515, A replaced by G.
Protein change: p.Asn172Ser; replaces asparagine 172 with serine.
Molecular consequence: missense variant. On other transcripts: 3 prime UTR variant (1).
Genome position (GRCh38, 1-based): chr11:532,691, T>C on the plus strand (A>G on the coding strand, the complement: HRAS is on the minus strand). VCF-style: chr11-532691-T-C. GRCh37 (hg19) VCF-style: chr11-532691-T-C.
Other names: c.515A>G, p.Asn172Ser (NM_001130442.3); c.278A>G, p.Asn93Ser (NM_001318054.2); c.*84A>G (NM_176795.5); short protein forms N172S, N93S.
Identifiers: ClinVar variation 1055387 (VCV001055387.8), dbSNP rs913523409, ClinGen allele CA216881989.
Genomic context (GRCh38, chr11:532,691, plus strand): 5'-CTGCGTCAGGAGAGCACACACTTGCAGCTCATGCAGCCGGGGCCACTCTCATCAGGAGGG[T>C]TCAGCTTCCGCAGCTTGTGCTGCCGGATCTCACGCACCAACGTGTAGAAGGCATCCTCCA-3'
Protein context (NP_005334.1, residues 162-182): EIRQHKLRKL[Asn172Ser]PPDESGPGCM